The following is an entry in ClinVar:

ClinVar aggregate classification (germline): Pathogenic/Likely pathogenic. Review status: criteria provided, multiple submitters, no conflicts (2 of 4 stars). 5 submissions from 5 submitters: Pathogenic (2); Likely pathogenic (3). Last evaluated 2024-08-07.

Conditions:
Hematuria, benign familial, 2 (BFH2). Identifiers: MedGen C5830421, MONDO:0958186, OMIM 620320.
Alport syndrome 3b, autosomal recessive. Identifiers: MedGen C5882699, MONDO:0957811, OMIM 620536.
Autosomal dominant Alport syndrome (ATS3A). Also called: ALPORT SYNDROME 3A, AUTOSOMAL DOMINANT; Alport syndrome dominant type; Renal failure and sensorineural hearing loss. Identifiers: Orphanet 63, Orphanet 88918, MedGen C5882663, MONDO:0007086, OMIM 104200.
Alport syndrome. Also called: Hemorrhagic familial nephritis; Hemorrhagic hereditary nephritis; Congenital hereditary hematuria. Identifiers: Orphanet 63, MedGen C1567741, MONDO:0018965.

Allele frequency attached by ClinVar (database versions not stated): gnomAD exomes below 0.00001; gnomAD 0.00001; TOPMed 0.00002.
gnomAD v4.1: 3 of 1,613,886 alleles (0.00019%); highest among the groups gnomAD compares: African/African-American, 0.004%; no homozygotes.

Submissions (5):

Natera, Inc.
Classification: Likely pathogenic for Alport syndrome. Last evaluated: 2024-08-07. Review status: criteria provided, single submitter. Criteria: Natera Variant Classification Schema (03/2026). Collection method: clinical testing. Allele origin: germline.
Comment: The c.3250G>T variant in COL4A3 is a nonsense variant predicted to introduce a stop codon at amino acid 1084. This variant is expected to result in nonsense mediated decay, truncation, or a dysfunctional protein product. This variant is rare in the general population with a frequency below the threshold expected for the associated phenotype(s). Given the available evidence, this variant is classified as Likely Pathogenic.

Fulgent Genetics
Classification: Likely pathogenic for Autosomal dominant Alport syndrome; Hematuria, benign familial, 2; Alport syndrome 3b, autosomal recessive. Last evaluated: 2024-05-24. Review status: criteria provided, single submitter. Criteria: ACMG Guidelines, 2015. Collection method: clinical testing. Allele origin: germline.

GeneDx
Classification: Likely pathogenic. Last evaluated: 2024-03-04. Review status: criteria provided, single submitter. Criteria: GeneDx Variant Classification Process June 2021. Collection method: clinical testing. Allele origin: germline. Affected: yes.
Comment: Nonsense variant predicted to result in protein truncation or nonsense mediated decay in a gene for which loss of function is a known mechanism of disease; Not observed at significant frequency in large population cohorts (gnomAD); Has not been previously published as pathogenic or benign to our knowledge

Labcorp Genetics (formerly Invitae), Labcorp
Classification: Pathogenic. Last evaluated: 2022-08-09. Review status: criteria provided, single submitter. Criteria: Invitae Variant Classification Sherloc (09022015). Collection method: clinical testing. Allele origin: germline.
Comment: For these reasons, this variant has been classified as Pathogenic. ClinVar contains an entry for this variant (Variation ID: 447171). This variant has not been reported in the literature in individuals affected with COL4A3-related conditions. This variant is present in population databases (no rsID available, gnomAD 0.007%). This sequence change creates a premature translational stop signal (p.Glu1084*) in the COL4A3 gene. It is expected to result in an absent or disrupted protein product. Loss-of-function variants in COL4A3 are known to be pathogenic (PMID: 8956999, 24854265, 26809805, 27281700).

Athena Diagnostics
Classification: Pathogenic. Last evaluated: 2016-10-18. Review status: criteria provided, single submitter. Criteria: Athena Diagnostics Criteria. Collection method: clinical testing. Allele origin: germline.

Literature cited by the submitters: PubMed 8956999 (cited by Labcorp Genetics (formerly Invitae), Labcorp); PubMed 24854265 (cited by Labcorp Genetics (formerly Invitae), Labcorp); PubMed 26809805 (cited by Labcorp Genetics (formerly Invitae), Labcorp); PubMed 27281700 (cited by Labcorp Genetics (formerly Invitae), Labcorp).

NM_000091.5(COL4A3):c.3250G>T (p.Glu1084Ter)

Genes: COL4A3 (collagen type IV alpha 3 chain; plus strand), MFF-DT (MFF divergent transcript; minus strand). Cytogenetic location: 2q36.3.
Variant type: single nucleotide variant.
Coding change: c.3250G>T on transcript NM_000091.5 (MANE Select); coding-DNA position 3250, G replaced by T.
Protein change: p.Glu1084Ter; replaces glutamic acid 1084 with a stop codon.
Molecular consequence: nonsense.
Genome position (GRCh38, 1-based): chr2:227,293,230, G>T. VCF-style: chr2-227293230-G-T. GRCh37 (hg19) VCF-style: chr2-228157946-G-T.
Other names: c.3250G>T (NM_000091.4); short protein forms E1084*.
Identifiers: ClinVar variation 447171 (VCV000447171.9), dbSNP rs1192750535, ClinGen allele CA350857395.